The following is an entry in ClinVar:

NM_001242882.2(NAXD):c.358G>A (p.Val120Met)

Gene: NAXD (NAD(P)HX dehydratase; plus strand). Cytogenetic location: 13q34.
Variant type: single nucleotide variant.
Coding change: c.358G>A on transcript NM_001242882.2 (MANE Select); coding-DNA position 358, G replaced by A.
Protein change: p.Val120Met; replaces valine 120 with methionine.
Molecular consequence: missense variant. On other transcripts: non-coding transcript variant (2).
Genome position (GRCh38, 1-based): chr13:110,627,464, G>A. VCF-style: chr13-110627464-G-A. GRCh37 (hg19) VCF-style: chr13-111279811-G-A.
Other names: c.412G>A, p.Val138Met (NM_001242881.2, NM_018210.4); c.82G>A, p.Val28Met (NM_001242883.2); short protein forms V28M, V138M, V120M.
Identifiers: ClinVar variation 2007086 (VCV002007086.4), dbSNP rs1382178930, ClinGen allele CA388732082.
Genomic context (GRCh38, chr13:110,627,464, plus strand): 5'-TGGGTAACCATCCTGGCCTTCCTTTCCTTCTTTAGTGACAGCCCCAATGCTGTTCATGAG[G>A]TGGAGAAGTGGCTGCCCCGGCTGCATGCTCTTGTCGTAGGACCTGGCTTGGGTAGAGATG-3'
Protein context (NP_001229811.1, residues 110-130): VLDSPNAVHE[Val120Met]EKWLPRLHAL

ClinVar aggregate classification (germline): Uncertain significance (1 of 4 stars; one submission).

Allele frequency attached by ClinVar (database versions not stated): gnomAD exomes below 0.00001.
gnomAD v4.1: 2 of 1,614,076 alleles (0.00012%); highest among the groups gnomAD compares: Admixed American, 0.0017%; no homozygotes.

Submission:

Labcorp Genetics (formerly Invitae), Labcorp
Classification: Uncertain significance. Last evaluated: 2023-04-24. Review status: criteria provided, single submitter. Criteria: Invitae Variant Classification Sherloc (09022015). Collection method: clinical testing. Allele origin: germline.
Comment: This variant has not been reported in the literature in individuals affected with NAXD-related conditions. In summary, the available evidence is currently insufficient to determine the role of this variant in disease. Therefore, it has been classified as a Variant of Uncertain Significance. Advanced modeling of protein sequence and biophysical properties (such as structural, functional, and spatial information, amino acid conservation, physicochemical variation, residue mobility, and thermodynamic stability) performed at Invitae indicates that this missense variant is not expected to disrupt NAXD protein function. ClinVar contains an entry for this variant (Variation ID: 2007086). This variant is present in population databases (no rsID available, gnomAD 0.003%). This sequence change replaces valine, which is neutral and non-polar, with methionine, which is neutral and non-polar, at codon 138 of the NAXD protein (p.Val138Met).